The following is an entry in ClinVar:

NM_004183.4(BEST1):c.1474G>A (p.Val492Ile)

Gene: BEST1 (bestrophin 1; plus strand). Cytogenetic location: 11q12.3.
Variant type: single nucleotide variant.
Coding change: c.1474G>A on transcript NM_004183.4 (MANE Select); coding-DNA position 1474, G replaced by A.
Protein change: p.Val492Ile; replaces valine 492 with isoleucine.
Molecular consequence: missense variant. On other transcripts: non-coding transcript variant (1).
Genome position (GRCh38, 1-based): chr11:61,962,628, G>A. VCF-style: chr11-61962628-G-A. GRCh37 (hg19) VCF-style: chr11-61730100-G-A.
Other names: c.1294G>A, p.Val432Ile (NM_001139443.3, NM_001300787.2); c.1213G>A, p.Val405Ile (NM_001300786.2); c.1156G>A, p.Val386Ile (NM_001363591.3); c.*369G>A (NM_001363592.2); c.502G>A, p.Val168Ile (NM_001363593.3); short protein forms V492I, V386I, V168I, V405I, V432I.
Identifiers: ClinVar variation 193667 (VCV000193667.34), dbSNP rs111326315, ClinGen allele CA200718.

ClinVar aggregate classification (germline): Benign/Likely benign. Review status: criteria provided, multiple submitters, no conflicts (2 of 4 stars). 10 submissions from 10 submitters: Benign (4); Likely benign (4). 2 of the submissions do not count toward it. Last evaluated 2026-05-01.

Conditions:
Retinitis pigmentosa (RP). Identifiers: Orphanet 791, MedGen C0035334, MeSH D012174, MONDO:0019200, OMIM 268000. Inheritance: Autosomal dominant, autosomal recessive and X linked inheritance.
Vitelliform macular dystrophy 2. Also called: Best vitelliform macular dystrophy, multifocal; MACULAR DEGENERATION, POLYMORPHIC VITELLINE; Best Vitelliform Macular Dystrophy (BVMD); Best Macular Dystrophy; VITELLIFORM MACULAR DYSTROPHY, EARLY-ONSET; VITELLIFORM MACULAR DYSTROPHY, JUVENILE-ONSET. Identifiers: Orphanet 1243, MedGen C2745945, MONDO:0007931, OMIM 153700.

Allele frequency attached by ClinVar (database versions not stated): gnomAD exomes 0.00210; ExAC 0.00260; gnomAD 0.00810 and 0.00867; 1000 Genomes Project 0.00839; 1000 Genomes Project 30x 0.00874; TOPMed 0.00932; ESP Exome Variant Server 0.00938.
gnomAD v4.1: 2,782 of 1,614,152 alleles (0.17%); highest among the groups gnomAD compares: African/African-American, 2.8%; 33 homozygotes.

Submissions (10):

CeGaT Center for Human Genetics Tuebingen
Classification: Likely benign. Last evaluated: 2026-05-01. Review status: criteria provided, single submitter. Criteria: CeGaT Center For Human Genetics Tuebingen Variant Classification Criteria Version 2. Collection method: clinical testing. Allele origin: germline. Affected: yes. Observed: 2 variant alleles.
Comment: BEST1: BP4

Labcorp Genetics (formerly Invitae), Labcorp
Classification: Benign. Last evaluated: 2026-01-17. Review status: criteria provided, single submitter. Criteria: Invitae Variant Classification Sherloc (09022015). Collection method: clinical testing. Allele origin: germline.

Blueprint Genetics
Classification: Likely benign. Last evaluated: 2024-10-15. Review status: criteria provided, single submitter. Criteria: ACMG Guidelines, 2015. Collection method: clinical testing. Allele origin: germline.

Mendelics
Classification: Benign for Vitelliform macular dystrophy 2. Last evaluated: 2019-05-28. Review status: criteria provided, single submitter. Criteria: Mendelics Assertion Criteria 2017. Collection method: clinical testing. Allele origin: unknown.

GeneDx
Classification: Benign. Last evaluated: 2019-05-06. Review status: criteria provided, single submitter. Criteria: GeneDx Variant Classification Process June 2021. Collection method: clinical testing. Allele origin: germline. Affected: yes.
Comment: This variant is associated with the following publications: (PMID: 21273940)

Illumina Laboratory Services, Illumina
Classification: Likely benign for Retinitis pigmentosa. Last evaluated: 2017-04-27. Review status: criteria provided, single submitter. Criteria: ICSL Variant Classification Criteria 13 December 2019. Collection method: clinical testing. Allele origin: germline.
Comment: This variant was observed as part of a predisposition screen in an ostensibly healthy population. A literature search was performed for the gene, cDNA change, and amino acid change (where applicable). No publications were found based on this search. Allele frequency data from public databases allowed determination this variant is unlikely to cause disease. Therefore, this variant is classified as likely benign.

Eurofins Ntd Llc (ga)
Classification: Benign. Last evaluated: 2014-05-14. Review status: criteria provided, single submitter. Criteria: EGL Classification Definitions 2015. Collection method: clinical testing. Allele origin: germline. Observed: 1 variant allele, 1 heterozygote.

Breakthrough Genomics
Classification: Likely benign. Review status: criteria provided, single submitter. Criteria: ACMG Guidelines, 2015. Collection method: not provided. Allele origin: germline. Inheritance: Autosomal dominant inheritance. Affected: yes.

Clinical Genetics DNA and cytogenetics Diagnostics Lab, Erasmus MC, Erasmus Medical Center
Classification: Likely benign. Review status: no assertion criteria provided. Collection method: clinical testing. Allele origin: germline. Affected: yes. Study: VKGL Data-share Consensus. Not counted in ClinVar's aggregate classification.

Clinical Genetics, Academic Medical Center
Classification: Benign. Review status: no assertion criteria provided. Collection method: clinical testing. Allele origin: germline. Affected: yes. Study: VKGL Data-share Consensus. Not counted in ClinVar's aggregate classification.